The following is an entry in ClinVar:

NM_000459.5(TEK):c.1950delinsAC (p.Thr651fs)

Gene: TEK (TEK receptor tyrosine kinase; plus strand). Cytogenetic location: 9p21.2.
Variant type: Indel.
Coding change: c.1950delinsAC on transcript NM_000459.5 (MANE Select); coding-DNA position 1950, T replaced by AC.
Protein change: p.Thr651fs; shifts the reading frame from threonine 651.
Molecular consequence: frameshift variant.
Genome position (GRCh38, 1-based): chr9:27,202,860, T replaced by AC. VCF-style: chr9-27202860-T-AC. GRCh37 (hg19) VCF-style: chr9-27202858-T-AC.
Other names: c.1821delTinsAC, p.Thr608Hisfs (NM_001290077.2); c.1509delTinsAC, p.Thr504Hisfs (NM_001290078.2); c.1950delinsAC, p.Thr651fs (NM_001375475.1); c.1821delinsAC, p.Thr608fs (NM_001375476.1); short protein forms T504fs, T608fs, T651fs.
Identifiers: ClinVar variation 1701564 (VCV001701564.31), dbSNP rs2131207249, ClinGen allele CA2580080322.

ClinVar aggregate classification (germline): Likely pathogenic (1 of 4 stars; one submission).

Submission:

CeGaT Center for Human Genetics Tuebingen
Classification: Likely pathogenic. Last evaluated: 2022-03-01. Review status: criteria provided, single submitter. Criteria: CeGaT Center For Human Genetics Tuebingen Variant Classification Criteria Version 2. Collection method: clinical testing. Allele origin: germline. Affected: yes. Observed: 1 variant allele.
Comment: TEK: PS2, PM2